The following is an entry in ClinVar:

NM_001374504.1(TMPRSS6):c.1355del (p.Glu452fs)

Gene: TMPRSS6 (transmembrane serine protease 6; minus strand). Cytogenetic location: 22q12.3.
Variant type: Deletion.
Coding change: c.1355del on transcript NM_001374504.1 (MANE Select); coding-DNA position 1355, one base deleted (A; older notation c.1355delA).
Protein change: p.Glu452fs; shifts the reading frame from glutamic acid 452.
Molecular consequence: frameshift variant.
Genome position (GRCh38, 1-based): chr22:37,074,696, T deleted on the plus strand (A on the coding strand, the reverse complement: TMPRSS6 is on the minus strand). VCF-style (leftmost placement, unchanged base first): chr22-37074695-CT-C. GRCh37 (hg19) VCF-style: chr22-37470735-CT-C.
Other names: NM_001374504.1(TMPRSS6):c.1355del; p.Glu452fs; c.1355del, p.Glu452fs (NM_001289000.2, NM_001289001.2, NM_153609.4); short protein forms E461fs, E452fs.
Identifiers: ClinVar variation 1406 (VCV000001406.2), dbSNP rs1384933966, ClinGen allele CA752942848.

ClinVar aggregate classification (germline): Likely pathogenic. Review status: criteria provided, single submitter (1 of 4 stars). 2 submissions from 2 submitters: Likely pathogenic (1). 1 of the submissions does not count toward it. Last evaluated 2023-05-02.

Conditions:
Iron-refractory iron deficiency anemia (IRIDA). Also called: PSEUDO-IRON-DEFICIENCY ANEMIA; ANEMIA, HYPOCHROMIC MICROCYTIC, WITH DEFECT IN IRON METABOLISM; IRON-HANDLING DISORDER, HEREDITARY; IRIDA syndrome. Identifiers: Orphanet 209981, MedGen C0085576, MONDO:0008788, OMIM 206200. Disease mechanism: loss of function.

Allele frequency attached by ClinVar (database versions not stated): gnomAD 0.00001; TOPMed 0.00001.

Submissions (2):

Broad Center for Mendelian Genomics, Broad Institute of MIT and Harvard
Classification: Likely pathogenic for Iron-refractory iron deficiency anemia. Last evaluated: 2023-05-02. Review status: criteria provided, single submitter. Criteria: ACMG Guidelines, 2015. Collection method: curation. Allele origin: germline. Inheritance: Autosomal recessive inheritance.
Comment: The p.Glu452GlyfsTer6 variant in TMPRSS6 has been previously reported in one individual with iron-refractory iron deficiency anemia (PMID: 18408718) but has been identified in 0.005% (2/41478) of African/African American chromosomes by the Genome Aggregation Database (gnomAD; dbSNP ID: rs1384933966). Although this variant has been seen in the general population in a heterozygous state, its frequency is low enough to be consistent with a recessive carrier frequency. This previously reported individual (PMID: 18408718) was a compound heterozygote that carried a reported likely pathogenic variant in unknown phase (ClinVar Variation ID: 1405), which increases the likelihood that the p.Glu452GlyfsTer6 variant is pathogenic. This variant has also been reported in ClinVar (Variation ID: 1406) and has been interpreted as pathogenic by OMIM. This variant is predicted to cause a frameshift, which alters the protein‚Äôs amino acid sequence beginning at position 452 and leads to a premature termination codon 6 amino acids downstream. This alteration is then predicted to lead to a truncated or absent protein. Loss of function of the TMPRSS6 gene is an established disease mechanism in autosomal recessive iron-refractory iron deficiency anemia. In summary, although additional studies are required to fully establish its clinical significance, this variant is likely pathogenic for autosomal recessive iron-refractory iron deficiency anemia. ACMG/AMP Criteria applied: PVS1, PM2_Supporting (Richards 2015).

OMIM
Classification: Pathogenic for IRON-REFRACTORY IRON DEFICIENCY ANEMIA. Last evaluated: 2008-05-01. Review status: no assertion criteria provided. Collection method: literature only. Allele origin: germline. Not counted in ClinVar's aggregate classification.

Literature cited by the submitters: PubMed 18408718 (cited by OMIM).